The following is an entry in ClinVar:

ClinVar aggregate classification (germline): Uncertain significance. Review status: criteria provided, multiple submitters, no conflicts (2 of 4 stars). 2 submissions from 2 submitters: Uncertain significance (2). Last evaluated 2025-01-17.

Conditions:
Multiple endocrine neoplasia, type 1 (MEN1). Also called: MEN I; WERMER SYNDROME; Endocrine adenomatosis multiple; MEN 1; MEA I. Identifiers: Orphanet 652, MedGen C0025267, MeSH D018761, MONDO:0007540, OMIM 131100.

gnomAD v4.1: 2 of 1,614,176 alleles (0.00012%); highest among the groups gnomAD compares: Non-Finnish European, 0.00017%; no homozygotes.

Submissions (2):

Labcorp Genetics (formerly Invitae), Labcorp
Classification: Uncertain significance for Multiple endocrine neoplasia, type 1. Last evaluated: 2025-01-17. Review status: criteria provided, single submitter. Criteria: Invitae Variant Classification Sherloc (09022015). Collection method: clinical testing. Allele origin: germline.
Comment: This sequence change replaces arginine, which is basic and polar, with tryptophan, which is neutral and slightly polar, at codon 137 of the MEN1 protein (p.Arg137Trp). This variant is not present in population databases (gnomAD no frequency). This missense change has been observed in individual(s) with clinical features of multiple endocrine neoplasia type 1 (PMID: 29497973, 35264596). ClinVar contains an entry for this variant (Variation ID: 584771). Invitae Evidence Modeling of protein sequence and biophysical properties (such as structural, functional, and spatial information, amino acid conservation, physicochemical variation, residue mobility, and thermodynamic stability) indicates that this missense variant is expected to disrupt MEN1 protein function with a positive predictive value of 95%. In summary, the available evidence is currently insufficient to determine the role of this variant in disease. Therefore, it has been classified as a Variant of Uncertain Significance.

Mendelics
Classification: Uncertain significance for Multiple endocrine neoplasia, type 1. Last evaluated: 2018-07-02. Review status: criteria provided, single submitter. Criteria: Mendelics Assertion Criteria 2017. Collection method: clinical testing. Allele origin: unknown.

Literature cited by the submitters: PubMed 29497973 (cited by Labcorp Genetics (formerly Invitae), Labcorp); PubMed 35264596 (cited by Labcorp Genetics (formerly Invitae), Labcorp).

NM_001370259.2(MEN1):c.409C>T (p.Arg137Trp)

Gene: MEN1 (menin 1; minus strand). Cytogenetic location: 11q13.1.
Variant type: single nucleotide variant.
Coding change: c.409C>T on transcript NM_001370259.2 (MANE Select); coding-DNA position 409, C replaced by T.
Protein change: p.Arg137Trp; replaces arginine 137 with tryptophan.
Molecular consequence: missense variant.
Genome position (GRCh38, 1-based): chr11:64,809,701, G>A on the plus strand (C>T on the coding strand, the complement: MEN1 is on the minus strand). VCF-style: chr11-64809701-G-A. GRCh37 (hg19) VCF-style: chr11-64577173-G-A.
Other names: c.409C>T, p.Arg137Trp (NM_130802.3, NM_130803.3, NM_130804.3 and 9 more transcripts); short protein forms R137W.
Identifiers: ClinVar variation 584771 (VCV000584771.7), dbSNP rs1208267598, ClinGen allele CA381186824.
Genomic context (GRCh38, chr11:64,809,701, plus strand): 5'-GATTCCCACCTACTGGGCTCCAACCTGTGATGAAGCTGAAGAGGGACTGGATGTGGGCCC[G>A]ATCCTTGAAGTAGGAGCGGCTGAGGCTGTTCCATATGACATCGGAGACCTTCTTCACCAG-3'
Protein context (NP_001357188.2, residues 127-147): NSLSRSYFKD[Arg137Trp]AHIQSLFSFI